The following is an entry in ClinVar:

NM_004415.4(DSP):c.6477T>G (p.Tyr2159Ter)

Gene: DSP (desmoplakin; plus strand). Cytogenetic location: 6p24.3.
Variant type: single nucleotide variant.
Coding change: c.6477T>G on transcript NM_004415.4 (MANE Select); coding-DNA position 6477, T replaced by G.
Protein change: p.Tyr2159Ter; replaces tyrosine 2159 with a stop codon.
Molecular consequence: nonsense.
Genome position (GRCh38, 1-based): chr6:7,583,739, T>G. VCF-style: chr6-7583739-T-G. GRCh37 (hg19) VCF-style: chr6-7583972-T-G.
Other names: c.4680T>G, p.Tyr1560Ter (NM_001008844.3); c.5148T>G, p.Tyr1716Ter (NM_001319034.2); short protein forms Y2159*, Y1560*, Y1716*.
Identifiers: ClinVar variation 4015095 (VCV004015095.1).

ClinVar aggregate classification (germline): Pathogenic (1 of 4 stars; one submission).

Conditions:
Cardiovascular phenotype. Identifiers: MedGen CN230736.

Submission:

Ambry Genetics
Classification: Pathogenic for Cardiovascular phenotype. Last evaluated: 2025-05-08. Review status: criteria provided, single submitter. Criteria: Ambry Variant Classification Scheme 2023. Collection method: clinical testing. Allele origin: germline.
Comment: The p.Y2159* pathogenic mutation (also known as c.6477T>G), located in coding exon 24 of the DSP gene, results from a T to G substitution at nucleotide position 6477. This changes the amino acid from a tyrosine to a stop codon within coding exon 24. This alteration occurs at the 3' terminus of theDSP gene, is not expected to trigger nonsense-mediated mRNA decay, and impacts the last 24% of the protein. However, premature stop codons are typically deleterious in nature and the impacted region is critical for protein function (Ambry internal data). Alterations in DSP that result in haploinsufficiency or protein truncation have been reported in patients with arrhythmogenic right ventricular cardiomyopathy (ARVC) and dilated cardiomyopathy (DCM) (Fressart V et al. Europace. 2010;12(6):861-8; Elliott P et al. Circ Cardiovasc Genet. 2010;3(4):314-22; Quarta G et al. Circulation. 2011;123(23):2701-9; Garcia-Pavia P et al. Heart. 2011;97(21):1744-52; Rasmussen TB et al. Clin Genet. 2013;84(1):20-30; Pugh TJ et al. Genet Med. 2014;16(8):601-8). This variant is considered to be rare based on population cohorts in the Genome Aggregation Database (gnomAD). Based on the supporting evidence, this variant is interpreted as a disease-causing mutation.